The following is an entry in ClinVar:

ClinVar aggregate classification (germline): Conflicting classifications of pathogenicity. Review status: criteria provided, conflicting classifications (1 of 4 stars). 3 submissions from 3 submitters: Uncertain significance (2); Benign (1). Last evaluated 2025-11-18.

Conditions:
FLNB-Related Spectrum Disorders.

Allele frequency attached by ClinVar (database versions not stated): ExAC 0.00009; TOPMed 0.00013; gnomAD exomes 0.00014; ESP Exome Variant Server 0.00015.
gnomAD v4.1: 142 of 1,613,970 alleles (0.0088%); highest among the groups gnomAD compares: Admixed American, 0.033%; no homozygotes.

Submissions (3):

Labcorp Genetics (formerly Invitae), Labcorp
Classification: Benign. Last evaluated: 2025-11-18. Review status: criteria provided, single submitter. Criteria: Invitae Variant Classification Sherloc (09022015). Collection method: clinical testing. Allele origin: germline.

GeneDx
Classification: Uncertain significance. Last evaluated: 2020-01-15. Review status: criteria provided, single submitter. Criteria: GeneDx Variant Classification Process June 2021. Collection method: clinical testing. Allele origin: germline. Affected: yes.
Comment: Has not been previously published as pathogenic or benign to our knowledge; In silico analysis, which includes protein predictors and evolutionary conservation, supports that this variant does not alter protein structure/function

Illumina Laboratory Services, Illumina
Classification: Uncertain significance for FLNB-Related Spectrum Disorders. Last evaluated: 2018-01-12. Review status: criteria provided, single submitter. Criteria: ICSL Variant Classification Criteria 13 December 2019. Collection method: clinical testing. Allele origin: germline.

NM_001457.4(FLNB):c.1290C>G (p.Ile430Met)

Gene: FLNB (filamin B; plus strand). Cytogenetic location: 3p14.3.
Variant type: single nucleotide variant.
Coding change: c.1290C>G on transcript NM_001457.4 (MANE Select); coding-DNA position 1290, C replaced by G.
Protein change: p.Ile430Met; replaces isoleucine 430 with methionine.
Molecular consequence: missense variant.
Genome position (GRCh38, 1-based): chr3:58,098,853, C>G. VCF-style: chr3-58098853-C-G. GRCh37 (hg19) VCF-style: chr3-58084580-C-G.
Other names: c.1290C>G, p.Ile430Met (NM_001164317.2, NM_001164318.2, NM_001164319.2); short protein forms I430M.
Identifiers: ClinVar variation 346309 (VCV000346309.11), dbSNP rs147854989, ClinGen allele CA2467757.
Genomic context (GRCh38, chr3:58,098,853, plus strand): 5'-AAACCAGGTGTATCGATGTGTGTACAAACCCATGCAGCCTGGCCCTCACGTGGTCAAGAT[C>G]TTCTTTGCTGGGGACACTATTCCTAAGAGTCCCTTCGTTGTGCAGGTTGGGGAAGGTGAG-3'
Protein context (NP_001448.2, residues 420-440): PMQPGPHVVK[Ile430Met]FFAGDTIPKS